The following is an entry in ClinVar:

ClinVar aggregate classification (germline): Uncertain significance (1 of 4 stars; one submission).

Submission:

GeneDx
Classification: Uncertain significance. Last evaluated: 2021-11-01. Review status: criteria provided, single submitter. Criteria: GeneDx Variant Classification Process June 2021. Collection method: clinical testing. Allele origin: germline. Affected: yes.
Comment: Not observed in large population cohorts (Lek et al., 2016); In silico analysis supports that this missense variant does not alter protein structure/function; Has not been previously published as pathogenic or benign to our knowledge

NM_015570.4(AUTS2):c.3224T>C (p.Leu1075Ser)

Gene: AUTS2 (activator of transcription and developmental regulator AUTS2; plus strand). Cytogenetic location: 7q11.22.
Variant type: single nucleotide variant.
Coding change: c.3224T>C on transcript NM_015570.4 (MANE Select); coding-DNA position 3224, T replaced by C.
Protein change: p.Leu1075Ser; replaces leucine 1075 with serine.
Molecular consequence: missense variant.
Genome position (GRCh38, 1-based): chr7:70,790,440, T>C. VCF-style: chr7-70790440-T-C. GRCh37 (hg19) VCF-style: chr7-70255426-T-C.
Other names: c.3152T>C, p.Leu1051Ser (NM_001127231.3); short protein forms L1051S, L1075S.
Identifiers: ClinVar variation 1318416 (VCV001318416.2), dbSNP rs2129561649, ClinGen allele CA367665739.